The following is an entry in ClinVar:

ClinVar aggregate classification (germline): Uncertain significance. Review status: criteria provided, multiple submitters, no conflicts (2 of 4 stars). 3 submissions from 3 submitters: Uncertain significance (3). Last evaluated 2025-11-04.

Conditions:
Senior-Loken syndrome 4 (SLSN4). Identifiers: Orphanet 3156, MedGen C1846979, MONDO:0011756, OMIM 606996.
Nephronophthisis 4 (NPHP4). Also called: NEPHRONOPHTHISIS 4, JUVENILE. Identifiers: Orphanet 655, MedGen C1847013, MONDO:0011752, OMIM 606966.
Inborn genetic diseases. Identifiers: MedGen C0950123, MeSH D030342.
Nephronophthisis. Also called: Juvenile Nephronophthisis. Identifiers: Orphanet 655, MedGen C0687120, MONDO:0019005, HP:0000090.

Allele frequency attached by ClinVar (database versions not stated): ExAC 0.00001; gnomAD 0.00001; gnomAD exomes 0.00001; TOPMed 0.00003.
gnomAD v4.1: 17 of 1,603,228 alleles (0.0011%); highest among the groups gnomAD compares: Admixed American, 0.0034%; no homozygotes.

Submissions (3):

Labcorp Genetics (formerly Invitae), Labcorp
Classification: Uncertain significance for Nephronophthisis. Last evaluated: 2025-11-04. Review status: criteria provided, single submitter. Criteria: Invitae Variant Classification Sherloc (09022015). Collection method: clinical testing. Allele origin: germline.
Comment: This sequence change replaces arginine, which is basic and polar, with cysteine, which is neutral and slightly polar, at codon 740 of the NPHP4 protein (p.Arg740Cys). This variant is present in population databases (rs766088144, gnomAD 0.006%). This variant has not been reported in the literature in individuals affected with NPHP4-related conditions. ClinVar contains an entry for this variant (Variation ID: 1018489). Invitae Evidence Modeling of protein sequence and biophysical properties (such as structural, functional, and spatial information, amino acid conservation, physicochemical variation, residue mobility, and thermodynamic stability) has been performed for this missense variant. However, the output from this modeling did not meet the statistical confidence thresholds required to predict the impact of this variant on NPHP4 protein function. In summary, the available evidence is currently insufficient to determine the role of this variant in disease. Therefore, it has been classified as a Variant of Uncertain Significance.

Ambry Genetics
Classification: Uncertain significance for Inborn genetic diseases. Last evaluated: 2025-03-19. Review status: criteria provided, single submitter. Criteria: Ambry Variant Classification Scheme 2023. Collection method: clinical testing. Allele origin: germline.

Fulgent Genetics
Classification: Uncertain significance for Nephronophthisis 4; Senior-Loken syndrome 4. Last evaluated: 2022-03-13. Review status: criteria provided, single submitter. Criteria: ACMG Guidelines, 2015. Collection method: clinical testing. Allele origin: unknown.

NM_015102.5(NPHP4):c.2218C>T (p.Arg740Cys)

Gene: NPHP4 (nephrocystin 4; minus strand). Cytogenetic location: 1p36.31.
Variant type: single nucleotide variant.
Coding change: c.2218C>T on transcript NM_015102.5 (MANE Select); coding-DNA position 2218, C replaced by T.
Protein change: p.Arg740Cys; replaces arginine 740 with cysteine.
Molecular consequence: missense variant. On other transcripts: non-coding transcript variant (1).
Genome position (GRCh38, 1-based): chr1:5,890,954, G>A on the plus strand (C>T on the coding strand, the complement: NPHP4 is on the minus strand). VCF-style: chr1-5890954-G-A. GRCh37 (hg19) VCF-style: chr1-5951014-G-A.
Other names: c.2218C>T (NM_015102.3); c.679C>T, p.Arg227Cys (NM_001291593.2); c.682C>T, p.Arg228Cys (NM_001291594.2); short protein forms R227C, R228C, R740C.
Identifiers: ClinVar variation 1018489 (VCV001018489.9), dbSNP rs766088144, ClinGen allele CA554240.